The following is an entry in ClinVar:

NM_001244008.2(KIF1A):c.429+22T>C

Gene: KIF1A (kinesin family member 1A; minus strand). Cytogenetic location: 2q37.3.
Variant type: single nucleotide variant.
Coding change: c.429+22T>C on transcript NM_001244008.2 (MANE Select); 22 bases into the intron after coding-DNA position 429, T replaced by C.
Molecular consequence: intron variant.
Genome position (GRCh38, 1-based): chr2:240,787,229, A>G on the plus strand (T>C on the coding strand, the complement: KIF1A is on the minus strand). VCF-style: chr2-240787229-A-G. GRCh37 (hg19) VCF-style: chr2-241726646-A-G.
Other names: c.429+22T>C (NM_001379653.1, NM_001379650.1, NM_001379645.1 and 20 more transcripts).
Identifiers: ClinVar variation 673387 (VCV000673387.2), dbSNP rs2288746, ClinGen allele CA2208781.

ClinVar aggregate classification (germline): Benign. Review status: criteria provided, multiple submitters, no conflicts (2 of 4 stars). 2 submissions from 2 submitters: Benign (2). Last evaluated 2018-06-14.

Allele frequency attached by ClinVar (database versions not stated): ExAC 0.42299; 1000 Genomes Project 0.48323; 1000 Genomes Project 30x 0.48954; gnomAD 0.49137 and 0.50056; TOPMed 0.50664; ESP Exome Variant Server 0.52158.
gnomAD v4.1: 676,593 of 1,601,840 alleles (42%); highest among the groups gnomAD compares: African/African-American, 71%; 147,635 homozygotes.

Submissions (2):

GeneDx
Classification: Benign. Last evaluated: 2018-06-14. Review status: criteria provided, single submitter. Criteria: GeneDx Variant Classification (06012015). Collection method: clinical testing. Allele origin: germline. Affected: yes.
Comment: This variant is considered likely benign or benign based on one or more of the following criteria: it is a conservative change, it occurs at a poorly conserved position in the protein, it is predicted to be benign by multiple in silico algorithms, and/or has population frequency not consistent with disease.

Breakthrough Genomics
Classification: Benign. Review status: criteria provided, single submitter. Criteria: ACMG Guidelines, 2015. Collection method: not provided. Allele origin: germline. Inheritance: Autosomal recessive inheritance. Affected: yes.